The following is an entry in ClinVar:

ClinVar aggregate classification (germline): Uncertain significance. Review status: criteria provided, multiple submitters, no conflicts (2 of 4 stars). 2 submissions from 2 submitters: Uncertain significance (2). Last evaluated 2023-11-10.

Conditions:
Dilated cardiomyopathy 1D. Identifiers: Orphanet 154, Orphanet 54260, MedGen C1832243, MONDO:0011095, OMIM 601494.
Cardiomyopathy, familial restrictive, 3. Identifiers: Orphanet 75249, MedGen C2676271, MONDO:0012900, OMIM 612422.
Hypertrophic cardiomyopathy 2. Also called: TNNT2-Related Familial Hypertrophic Cardiomyopathy. Identifiers: MedGen C1861864, MONDO:0007266, OMIM 115195.
Cardiomyopathy (CMYO). Also called: Cardiomyopathies. Identifiers: Orphanet 167848, MedGen C0878544, MONDO:0004994, HP:0001638. Inheritance: Various modes of inheritance.

Submissions (2):

Labcorp Genetics (formerly Invitae), Labcorp
Classification: Uncertain significance for Cardiomyopathy, familial restrictive, 3; Hypertrophic cardiomyopathy 2; Dilated cardiomyopathy 1D. Last evaluated: 2023-11-10. Review status: criteria provided, single submitter. Criteria: Invitae Variant Classification Sherloc (09022015). Collection method: clinical testing. Allele origin: germline.
Comment: This sequence change replaces glutamine, which is neutral and polar, with arginine, which is basic and polar, at codon 251 of the TNNT2 protein (p.Gln251Arg). This variant is not present in population databases (gnomAD no frequency). This variant has not been reported in the literature in individuals affected with TNNT2-related conditions. ClinVar contains an entry for this variant (Variation ID: 1329428). Advanced modeling of protein sequence and biophysical properties (such as structural, functional, and spatial information, amino acid conservation, physicochemical variation, residue mobility, and thermodynamic stability) performed at Invitae indicates that this missense variant is expected to disrupt TNNT2 protein function with a positive predictive value of 80%. In summary, the available evidence is currently insufficient to determine the role of this variant in disease. Therefore, it has been classified as a Variant of Uncertain Significance.

CHEO Genetics Diagnostic Laboratory, Children's Hospital of Eastern Ontario
Classification: Uncertain significance for Cardiomyopathy. Last evaluated: 2020-04-24. Review status: criteria provided, single submitter. Criteria: ACMG Guidelines, 2015. Collection method: clinical testing. Allele origin: germline.

NM_001276345.2(TNNT2):c.782A>G (p.Gln261Arg)

Gene: TNNT2 (troponin T2, cardiac type; minus strand). Cytogenetic location: 1q32.1.
Variant type: single nucleotide variant.
Coding change: c.782A>G on transcript NM_001276345.2 (MANE Select); coding-DNA position 782, A replaced by G.
Protein change: p.Gln261Arg; replaces glutamine 261 with arginine.
Molecular consequence: missense variant.
Genome position (GRCh38, 1-based): chr1:201,361,307, T>C on the plus strand (A>G on the coding strand, the complement: TNNT2 is on the minus strand). VCF-style: chr1-201361307-T-C. GRCh37 (hg19) VCF-style: chr1-201330435-T-C.
Other names: c.773A>G, p.Gln258Arg (NM_000364.4); c.752A>G, p.Gln251Arg (NM_001001430.3, NM_001276347.2); c.743A>G, p.Gln248Arg (NM_001001431.3); c.734A>G, p.Gln245Arg (NM_001001432.3); c.653A>G, p.Gln218Arg (NM_001276346.2); short protein forms Q218R, Q245R, Q248R, Q251R, Q258R, Q261R.
Identifiers: ClinVar variation 1329428 (VCV001329428.5), dbSNP rs2102228802, ClinGen allele CA344202631.